The following is an entry in ClinVar:

ClinVar aggregate classification (germline): Likely benign. Review status: criteria provided, multiple submitters, no conflicts (2 of 4 stars). 3 submissions from 3 submitters: Likely benign (2). 1 of the submissions does not count toward it. Last evaluated 2026-01-19.

Conditions:
SLC18A2-related disorder. Also called: SLC18A2-related condition.

Allele frequency attached by ClinVar (database versions not stated): TOPMed 0.00008; gnomAD exomes 0.00009 and 0.00012; gnomAD 0.00014 and 0.00015; ExAC 0.00016; ESP Exome Variant Server 0.00031.
gnomAD v4.1: 153 of 1,613,970 alleles (0.0095%); highest among the groups gnomAD compares: Non-Finnish European, 0.011%; no homozygotes.

Submissions (3):

Labcorp Genetics (formerly Invitae), Labcorp
Classification: Likely benign. Last evaluated: 2026-01-19. Review status: criteria provided, single submitter. Criteria: Invitae Variant Classification Sherloc (09022015). Collection method: clinical testing. Allele origin: germline.

Laboratory of Genetics, Children's Clinical University Hospital Latvia
Classification: Likely benign. Last evaluated: 2025-02-16. Review status: criteria provided, single submitter. Criteria: ACMG Guidelines, 2015. Collection method: clinical testing. Allele origin: germline. Affected: yes.

PreventionGenetics, part of Exact Sciences
Classification: Likely benign for SLC18A2-related condition. Last evaluated: 2019-06-11. Review status: no assertion criteria provided. Collection method: clinical testing. Allele origin: germline. Not counted in ClinVar's aggregate classification.
Comment: This variant is classified as likely benign based on ACMG/AMP sequence variant interpretation guidelines (Richards et al. 2015 PMID: 25741868, with internal and published modifications).

NM_003054.6(SLC18A2):c.835-7T>G

Gene: SLC18A2 (solute carrier family 18 member A2; plus strand). Cytogenetic location: 10q25.3.
Variant type: single nucleotide variant.
Coding change: c.835-7T>G on transcript NM_003054.6 (MANE Select); 7 bases into the intron before coding-DNA position 835, T replaced by G.
Molecular consequence: intron variant.
Genome position (GRCh38, 1-based): chr10:117,255,590, T>G. VCF-style: chr10-117255590-T-G. GRCh37 (hg19) VCF-style: chr10-119015101-T-G.
Other names: c.835-7T>G (NM_003054.4).
Identifiers: ClinVar variation 1557598 (VCV001557598.11), dbSNP rs375131324, ClinGen allele CA5710465.